The following is an entry in ClinVar:

ClinVar aggregate classification (germline): Uncertain significance (1 of 4 stars; one submission).

Conditions:
Dyskeratosis congenita. Identifiers: Orphanet 1775, MedGen C0265965, MONDO:0015780.

Submission:

Labcorp Genetics (formerly Invitae), Labcorp
Classification: Uncertain significance for Dyskeratosis congenita. Last evaluated: 2022-09-27. Review status: criteria provided, single submitter. Criteria: Invitae Variant Classification Sherloc (09022015). Collection method: clinical testing. Allele origin: germline.
Comment: In summary, the available evidence is currently insufficient to determine the role of this variant in disease. Therefore, it has been classified as a Variant of Uncertain Significance. Experimental studies and prediction algorithms are not available or were not evaluated, and the functional significance of this variant is currently unknown. This variant has not been reported in the literature in individuals affected with TINF2-related conditions. This variant is a gross deletion of the genomic region encompassing exon(s) 1 of the TINF2 gene, which includes the initiator codon. This deletion extends beyond the assayed region for this gene and therefore may encompass additional genes. It is expected to result in an absent or disrupted protein product. However, the current clinical and genetic evidence is not sufficient to establish whether loss-of-function variants in TINF2 cause disease.

NC_000014.8:g.(?_24711327)_(24731558_?)dup

Genes: TGM1 (transglutaminase 1; minus strand), TINF2 (TERF1 interacting nuclear factor 2; minus strand). Cytogenetic location: 14q12.
Variant type: Duplication.
Identifiers: ClinVar variation 2423696 (VCV002423696.4).